The following is an entry in ClinVar:

NM_001142800.2(EYS):c.1705G>C (p.Asp569His)

Gene: EYS (EGF-like photoreceptor maintenance factor; minus strand). Cytogenetic location: 6q12.
Variant type: single nucleotide variant.
Coding change: c.1705G>C on transcript NM_001142800.2 (MANE Select); coding-DNA position 1705, G replaced by C.
Protein change: p.Asp569His; replaces aspartic acid 569 with histidine.
Molecular consequence: missense variant.
Genome position (GRCh38, 1-based): chr6:65,335,041, C>G on the plus strand (G>C on the coding strand, the complement: EYS is on the minus strand). VCF-style: chr6-65335041-C-G. GRCh37 (hg19) VCF-style: chr6-66044934-C-G.
Other names: c.1705G>C, p.Asp569His (NM_001142801.2, NM_001292009.2, NM_198283.2); short protein forms D569H.
Identifiers: ClinVar variation 1402450 (VCV001402450.8), dbSNP rs1582153504, ClinGen allele CA364661039.

ClinVar aggregate classification (germline): Uncertain significance (1 of 4 stars; one submission).

Allele frequency attached by ClinVar (database versions not stated): gnomAD exomes below 0.00001.
gnomAD v4.1: 1 of 1,611,374 alleles (0.000062%); highest among the groups gnomAD compares: East Asian, 0.0022%; no homozygotes.

Submission:

Labcorp Genetics (formerly Invitae), Labcorp
Classification: Uncertain significance. Last evaluated: 2021-05-27. Review status: criteria provided, single submitter. Criteria: Invitae Variant Classification Sherloc (09022015). Collection method: clinical testing. Allele origin: germline.
Comment: In summary, the available evidence is currently insufficient to determine the role of this variant in disease. Therefore, it has been classified as a Variant of Uncertain Significance. Algorithms developed to predict the effect of missense changes on protein structure and function are either unavailable or do not agree on the potential impact of this missense change (SIFT: "Deleterious"; PolyPhen-2: "Benign"; Align-GVGD: "Class C0"). This variant has not been reported in the literature in individuals with EYS-related conditions. This variant is not present in population databases (ExAC no frequency). This sequence change replaces aspartic acid with histidine at codon 569 of the EYS protein (p.Asp569His). The aspartic acid residue is moderately conserved and there is a moderate physicochemical difference between aspartic acid and histidine.